The following is an entry in ClinVar:

NM_003495.3(H4C9):c.57C>A (p.His19Gln)

Genes: H2BC12 (H2B clustered histone 12; minus strand), H4C9 (H4 clustered histone 9; plus strand). Cytogenetic location: 6p22.1.
Variant type: single nucleotide variant.
Coding change: c.57C>A on transcript NM_003495.3 (MANE Select); coding-DNA position 57, C replaced by A.
Protein change: p.His19Gln; replaces histidine 19 with glutamine.
Molecular consequence: missense variant. On other transcripts: intron variant (1).
Genome position (GRCh38, 1-based): chr6:27,139,365, C>A. VCF-style: chr6-27139365-C-A. GRCh37 (hg19) VCF-style: chr6-27107144-C-A.
Other names: c.*10-684G>T (NM_080593.2); short protein forms H19Q.
Identifiers: ClinVar variation 3104039 (VCV003104039.2), dbSNP rs1759963319, ClinGen allele CA363244307.

ClinVar aggregate classification (germline): Uncertain significance. Review status: criteria provided, multiple submitters, no conflicts (2 of 4 stars). 3 submissions from 3 submitters: Uncertain significance (3). Last evaluated 2025-06-12.

Conditions:
Tessadori-Van Haaften neurodevelopmental syndrome 4 (TEBIVANED4). Identifiers: MedGen C5677016, MONDO:0031000, OMIM 619951.

gnomAD v4.1: 2 of 1,614,128 alleles (0.00012%); highest among the groups gnomAD compares: Non-Finnish European, 0.00017%; no homozygotes.

Submissions (3):

Clinical Genetics Laboratory, University Hospital Schleswig-Holstein
Classification: Uncertain significance for Tessadori-Van Haaften neurodevelopmental syndrome 4. Last evaluated: 2025-06-12. Review status: criteria provided, single submitter. Criteria: ACMG Guidelines, 2015. Collection method: clinical testing. Allele origin: maternal. Affected: yes. Observed: 1 heterozygote.
Comment: ACMG criteria applied: PM2, PM1_Supporting, BS4_Supporting

Labcorp Genetics (formerly Invitae), Labcorp
Classification: Uncertain significance. Last evaluated: 2025-06-02. Review status: criteria provided, single submitter. Criteria: Invitae Variant Classification Sherloc (09022015). Collection method: clinical testing. Allele origin: germline.
Comment: This sequence change replaces histidine, which is basic and polar, with glutamine, which is neutral and polar, at codon 19 of the H4C9 protein (p.His19Gln). This variant is not present in population databases (gnomAD no frequency). This variant has not been reported in the literature in individuals affected with H4C9-related conditions. ClinVar contains an entry for this variant (Variation ID: 3104039). Experimental studies and prediction algorithms are not available or were not evaluated, and the functional significance of this variant is currently unknown. In summary, the available evidence is currently insufficient to determine the role of this variant in disease. Therefore, it has been classified as a Variant of Uncertain Significance.

Ambry Genetics
Classification: Uncertain significance. Last evaluated: 2021-09-16. Review status: criteria provided, single submitter. Criteria: Ambry Variant Classification Scheme 2023. Collection method: clinical testing. Allele origin: germline.